The following is an entry in ClinVar:

ClinVar aggregate classification (germline): Conflicting classifications of pathogenicity. Review status: criteria provided, conflicting classifications (1 of 4 stars). 3 submissions from 3 submitters: Likely pathogenic (2); Uncertain significance (1). Last evaluated 2025-07-16.

Conditions:
Developmental and epileptic encephalopathy, 31A. Also called: Epileptic encephalopathy, early infantile, 31; Developmental and epileptic encephalopathy, 31. Identifiers: Orphanet 2382, MedGen C4225357, MONDO:0014598, OMIM 616346.

Allele frequency attached by ClinVar (database versions not stated): gnomAD exomes below 0.00001.
gnomAD v4.1: 1 of 1,614,112 alleles (0.000062%); highest among the groups gnomAD compares: Non-Finnish European, 0.000085%; no homozygotes.

Submissions (3):

GeneDx
Classification: Uncertain significance. Last evaluated: 2025-07-16. Review status: criteria provided, single submitter. Criteria: GeneDx Variant Classification Process June 2021. Collection method: clinical testing. Allele origin: germline. Affected: yes.
Comment: Not observed at significant frequency in large population cohorts (gnomAD); In silico analysis supports that this missense variant has a deleterious effect on protein structure/function; Has not been previously published as pathogenic or benign to our knowledge

Labcorp Genetics (formerly Invitae), Labcorp
Classification: Likely pathogenic for Developmental and epileptic encephalopathy, 31A. Last evaluated: 2024-08-26. Review status: criteria provided, single submitter. Criteria: Invitae Variant Classification Sherloc (09022015). Collection method: clinical testing. Allele origin: germline.
Comment: This sequence change replaces glutamic acid, which is acidic and polar, with lysine, which is basic and polar, at codon 368 of the DNM1 protein (p.Glu368Lys). This variant is not present in population databases (gnomAD no frequency). This missense change has been observed in individual(s) with clinical features of DNM1-related conditions (internal data). In at least one individual the variant was observed to be de novo. ClinVar contains an entry for this variant (Variation ID: 952061). Invitae Evidence Modeling of protein sequence and biophysical properties (such as structural, functional, and spatial information, amino acid conservation, physicochemical variation, residue mobility, and thermodynamic stability) indicates that this missense variant is not expected to disrupt DNM1 protein function with a negative predictive value of 80%. In summary, the currently available evidence indicates that the variant is pathogenic, but additional data are needed to prove that conclusively. Therefore, this variant has been classified as Likely Pathogenic.

Institute of Human Genetics, University of Leipzig Medical Center
Classification: Likely pathogenic for Developmental and epileptic encephalopathy, 31A. Last evaluated: 2023-01-02. Review status: criteria provided, single submitter. Criteria: ACMG Guidelines, 2015. Collection method: clinical testing. Allele origin: de novo. Inheritance: Autosomal dominant inheritance. Affected: yes.
Comment: Criteria applied: PS2_MOD,PM2_SUP,PM1,PP3

NM_004408.4(DNM1):c.1102G>A (p.Glu368Lys)

Gene: DNM1 (dynamin 1; plus strand). Cytogenetic location: 9q34.11.
Variant type: single nucleotide variant.
Coding change: c.1102G>A on transcript NM_004408.4 (MANE Select); coding-DNA position 1102, G replaced by A.
Protein change: p.Glu368Lys; replaces glutamic acid 368 with lysine.
Molecular consequence: missense variant.
Genome position (GRCh38, 1-based): chr9:128,222,570, G>A. VCF-style: chr9-128222570-G-A. GRCh37 (hg19) VCF-style: chr9-130984849-G-A.
Other names: c.1102G>A, p.Glu368Lys (NM_001288739.2, NM_001374269.1, NM_001005336.3 and 2 more transcripts); short protein forms E368K.
Identifiers: ClinVar variation 952061 (VCV000952061.15), dbSNP rs1835087040, ClinGen allele CA375016353.
Genomic context (GRCh38, chr9:128,222,570, plus strand): 5'-GGAGATCAGATCGACACCTACGAACTGTCAGGGGGAGCCCGCATTAACCGAATCTTCCAC[G>A]AGCGCTTCCCTTTCGAGCTGGTCAAGGTAGGTCAGGCAGCCCTGGGGACAGGATGGCTCA-3'
Protein context (NP_004399.2, residues 358-378): GGARINRIFH[Glu368Lys]RFPFELVKME